The following is an entry in ClinVar:

ClinVar aggregate classification (germline): Uncertain significance (1 of 4 stars; one submission).

Allele frequency attached by ClinVar (database versions not stated): TOPMed below 0.00001; gnomAD 0.00001; gnomAD exomes 0.00001 and 0.00002; ExAC 0.00003.
gnomAD v4.1: 14 of 1,613,660 alleles (0.00087%); highest among the groups gnomAD compares: Admixed American, 0.0067%; no homozygotes.

Submission:

Labcorp Genetics (formerly Invitae), Labcorp
Classification: Uncertain significance. Last evaluated: 2022-07-12. Review status: criteria provided, single submitter. Criteria: Invitae Variant Classification Sherloc (09022015). Collection method: clinical testing. Allele origin: germline.
Comment: This sequence change replaces asparagine, which is neutral and polar, with serine, which is neutral and polar, at codon 26 of the CNGA3 protein (p.Asn26Ser). This variant is present in population databases (rs776185461, gnomAD 0.01%). This variant has not been reported in the literature in individuals affected with CNGA3-related conditions. ClinVar contains an entry for this variant (Variation ID: 1416152). Advanced modeling of protein sequence and biophysical properties (such as structural, functional, and spatial information, amino acid conservation, physicochemical variation, residue mobility, and thermodynamic stability) performed at Invitae indicates that this missense variant is not expected to disrupt CNGA3 protein function. In summary, the available evidence is currently insufficient to determine the role of this variant in disease. Therefore, it has been classified as a Variant of Uncertain Significance.

NM_001298.3(CNGA3):c.77A>G (p.Asn26Ser)

Gene: CNGA3 (cyclic nucleotide gated channel subunit alpha 3; plus strand). Cytogenetic location: 2q11.2.
Variant type: single nucleotide variant.
Coding change: c.77A>G on transcript NM_001298.3 (MANE Select); coding-DNA position 77, A replaced by G.
Protein change: p.Asn26Ser; replaces asparagine 26 with serine.
Molecular consequence: missense variant.
Genome position (GRCh38, 1-based): chr2:98,370,052, A>G. VCF-style: chr2-98370052-A-G. GRCh37 (hg19) VCF-style: chr2-98986515-A-G.
Other names: c.77A>G, p.Asn26Ser (NM_001079878.2); short protein forms N26S.
Identifiers: ClinVar variation 1416152 (VCV001416152.8), dbSNP rs776185461, ClinGen allele CA1793548.
Genomic context (GRCh38, chr2:98,370,052, plus strand): 5'-CCCAATACTCCCACCCCTCCAGGACCCACCTCAAGGTAAAGACCTCAGACCGAGATCTCA[A>G]TCGCGCTGAAAATGGCCTCAGCAGGTAAGATGGGCTAAGATGGGCTTTTCATTTTATGCC-3'
Protein context (NP_001289.1, residues 16-36): LKVKTSDRDL[Asn26Ser]RAENGLSRAH